The following is an entry in ClinVar:

NM_152515.5(CKAP2L):c.2027C>T (p.Pro676Leu)

Genes: CKAP2L (cytoskeleton associated protein 2 like; minus strand), NT5DC4 (5'-nucleotidase domain containing 4; plus strand). Cytogenetic location: 2q14.1.
Variant type: single nucleotide variant.
Coding change: c.2027C>T on transcript NM_152515.5 (MANE Select); coding-DNA position 2027, C replaced by T.
Protein change: p.Pro676Leu; replaces proline 676 with leucine.
Molecular consequence: missense variant. On other transcripts: non-coding transcript variant (1), 3 prime UTR variant (1), intron variant (1).
Genome position (GRCh38, 1-based): chr2:112,739,034, G>A on the plus strand (C>T on the coding strand, the complement: CKAP2L is on the minus strand). VCF-style: chr2-112739034-G-A. GRCh37 (hg19) VCF-style: chr2-113496611-G-A.
Other names: c.1532C>T, p.Pro511Leu (NM_001304361.2); c.*98G>A (NM_001393655.1); c.1249-3378G>A (NM_001350494.2); short protein forms P676L, P511L.
Identifiers: ClinVar variation 2780960 (VCV002780960.2), dbSNP rs755625375, ClinGen allele CA1836480.

ClinVar aggregate classification (germline): Uncertain significance (1 of 4 stars; one submission).

Allele frequency attached by ClinVar (database versions not stated): TOPMed 0.00001; ExAC 0.00002; gnomAD 0.00001; gnomAD exomes 0.00001.
gnomAD v4.1: 21 of 1,613,580 alleles (0.0013%); highest among the groups gnomAD compares: Non-Finnish European, 0.0018%; no homozygotes.

Submission:

Labcorp Genetics (formerly Invitae), Labcorp
Classification: Uncertain significance. Last evaluated: 2024-11-05. Review status: criteria provided, single submitter. Criteria: Invitae Variant Classification Sherloc (09022015). Collection method: clinical testing. Allele origin: germline.
Comment: This sequence change replaces proline, which is neutral and non-polar, with leucine, which is neutral and non-polar, at codon 676 of the CKAP2L protein (p.Pro676Leu). This variant is present in population databases (rs755625375, gnomAD 0.002%). This variant has not been reported in the literature in individuals affected with CKAP2L-related conditions. ClinVar contains an entry for this variant (Variation ID: 2780960). Invitae Evidence Modeling of protein sequence and biophysical properties (such as structural, functional, and spatial information, amino acid conservation, physicochemical variation, residue mobility, and thermodynamic stability) indicates that this missense variant is not expected to disrupt CKAP2L protein function with a negative predictive value of 80%. In summary, the available evidence is currently insufficient to determine the role of this variant in disease. Therefore, it has been classified as a Variant of Uncertain Significance.